The following is an entry in ClinVar:

ClinVar aggregate classification (germline): Benign/Likely benign. Review status: criteria provided, multiple submitters, no conflicts (2 of 4 stars). 3 submissions from 3 submitters: Benign (1); Likely benign (2). Last evaluated 2026-08-05.

Conditions:
Hereditary pheochromocytoma and paraganglioma. Also called: Hereditary pheochromocytoma-paraganglioma; Hereditary paragangliomas and pheochromocytomas; Hereditary Paraganglioma-Pheochromocytoma Syndromes. Identifiers: Orphanet 29072, MedGen C4274332, MONDO:0017366.
Pheochromocytoma/paraganglioma syndrome 2. Also called: SDHAF2-Related Hereditary Paraganglioma-Pheochromocytoma Syndrome (Paragangliomas 2); SDHAF2-Related Hereditary Paraganglioma-Pheochromocytoma Syndrome; GLOMUS TUMORS, FAMILIAL, 2; Paragangliomas 2. Identifiers: Orphanet 29072, MedGen C1866552, MONDO:0011121, OMIM 601650.
Hereditary cancer-predisposing syndrome. Also called: Hereditary neoplastic syndrome; Neoplastic Syndromes, Hereditary; Tumor predisposition; Hereditary Cancer Syndrome. Identifiers: Orphanet 140162, MedGen C0027672, MeSH D009386, MONDO:0015356.

Allele frequency attached by ClinVar (database versions not stated): TOPMed 0.00001; gnomAD 0.00001.
gnomAD v4.1: 2 of 1,613,994 alleles (0.00012%); highest among the groups gnomAD compares: Non-Finnish European, 0.000085%; no homozygotes.

Submissions (3):

Myriad Genetics, Inc.
Classification: Benign for Pheochromocytoma/paraganglioma syndrome 2. Last evaluated: 2026-08-05. Review status: criteria provided, single submitter. Criteria: Myriad Autosomal Dominant, Autosomal Recessive and X-Linked Classification Criteria (2023). Collection method: clinical testing. Allele origin: unknown.
Comment: This variant is considered benign. This variant is a silent/synonymous amino acid change and it is not expected to impact splicing.

Labcorp Genetics (formerly Invitae), Labcorp
Classification: Likely benign for Hereditary pheochromocytoma and paraganglioma. Last evaluated: 2025-12-03. Review status: criteria provided, single submitter. Criteria: Invitae Variant Classification Sherloc (09022015). Collection method: clinical testing. Allele origin: germline.

Ambry Genetics
Classification: Likely benign for Hereditary cancer-predisposing syndrome. Last evaluated: 2020-03-05. Review status: criteria provided, single submitter. Criteria: Ambry Variant Classification Scheme 2023. Collection method: clinical testing. Allele origin: germline.

NM_017841.4(SDHAF2):c.324G>T (p.Leu108=)

Gene: SDHAF2 (succinate dehydrogenase complex assembly factor 2; plus strand). Cytogenetic location: 11q12.2.
Variant type: single nucleotide variant.
Coding change: c.324G>T on transcript NM_017841.4 (MANE Select); coding-DNA position 324, G replaced by T.
Protein change: p.Leu108=; no amino-acid change (leucine 108 retained).
Molecular consequence: synonymous variant.
Genome position (GRCh38, 1-based): chr11:61,438,067, G>T. VCF-style: chr11-61438067-G-T. GRCh37 (hg19) VCF-style: chr11-61205539-G-T.
Identifiers: ClinVar variation 755853 (VCV000755853.12), dbSNP rs1426061764, ClinGen allele CA474802931.
Genomic context (GRCh38, chr11:61,438,067, plus strand): 5'-TTTTGCTAAAGAACATCTGCAGCACATGACAGAAAAGCAGCTGAACCTCTATGACCGCCT[G>T]ATTAACGAGCCTAGTAATGACTGGGATATTTACTACTGGGCCACAGGTACTGGGTATGAT-3'
Protein context (NP_060311.1, residues 98-118): TEKQLNLYDR[Leu108=]INEPSNDWDI